The following is an entry in ClinVar:

ClinVar aggregate classification (germline): Uncertain significance (1 of 4 stars; one submission).

Allele frequency attached by ClinVar (database versions not stated): gnomAD 0.00001; TOPMed 0.00002.
gnomAD v4.1: 27 of 1,598,550 alleles (0.0017%); highest among the groups gnomAD compares: African/African-American, 0.0027%; no homozygotes.

Submission:

Labcorp Genetics (formerly Invitae), Labcorp
Classification: Uncertain significance. Last evaluated: 2022-07-29. Review status: criteria provided, single submitter. Criteria: Invitae Variant Classification Sherloc (09022015). Collection method: clinical testing. Allele origin: germline.
Comment: This variant is present in population databases (no rsID available, gnomAD 0.007%). In summary, the available evidence is currently insufficient to determine the role of this variant in disease. Therefore, it has been classified as a Variant of Uncertain Significance. Algorithms developed to predict the effect of missense changes on protein structure and function (SIFT, PolyPhen-2, Align-GVGD) all suggest that this variant is likely to be tolerated. ClinVar contains an entry for this variant (Variation ID: 1429356). This variant has not been reported in the literature in individuals affected with ASAH1-related conditions. This sequence change replaces proline, which is neutral and non-polar, with alanine, which is neutral and non-polar, at codon 2 of the ASAH1 protein (p.Pro2Ala).

NM_177924.5(ASAH1):c.4C>G (p.Pro2Ala)

Genes: ASAH1 (N-acylsphingosine amidohydrolase 1; minus strand), LOC129999940 (ATAC-STARR-seq lymphoblastoid silent region 18966; plus strand). Cytogenetic location: 8p22.
Variant type: single nucleotide variant.
Coding change: c.4C>G on transcript NM_177924.5 (MANE Select); coding-DNA position 4, C replaced by G.
Protein change: p.Pro2Ala; replaces proline 2 with alanine.
Molecular consequence: missense variant. On other transcripts: intron variant (2).
Genome position (GRCh38, 1-based): chr8:18,084,055, G>C on the plus strand (C>G on the coding strand, the complement: ASAH1 is on the minus strand). VCF-style: chr8-18084055-G-C. GRCh37 (hg19) VCF-style: chr8-17941564-G-C.
Other names: c.126+621C>G (NM_004315.6, NM_001127505.3); short protein forms P2A.
Identifiers: ClinVar variation 1429356 (VCV001429356.7), dbSNP rs1372823767, ClinGen allele CA370435931.